The following is an entry in ClinVar:

NM_001312673.2(PCYT1A):c.329T>C (p.Val110Ala)

Gene: PCYT1A (phosphate cytidylyltransferase 1A, choline; minus strand). Cytogenetic location: 3q29.
Variant type: single nucleotide variant.
Coding change: c.329T>C on transcript NM_001312673.2 (MANE Select); coding-DNA position 329, T replaced by C.
Protein change: p.Val110Ala; replaces valine 110 with alanine.
Molecular consequence: missense variant.
Genome position (GRCh38, 1-based): chr3:196,248,212, A>G on the plus strand (T>C on the coding strand, the complement: PCYT1A is on the minus strand). VCF-style: chr3-196248212-A-G. GRCh37 (hg19) VCF-style: chr3-195975083-A-G.
Other names: c.329T>C, p.Val110Ala (NM_005017.4); short protein forms V110A.
Identifiers: ClinVar variation 5019285 (VCV005019285.2).
Genomic context (GRCh38, chr3:196,248,212, plus strand): 5'-ACTGTACTATCATCTTTTTCTGCACAGCACCTGAAGTCACCAAATGTTTTCTTACCTCCC[A>G]CAATGAGGTACGTATTAGGGAAAAGGTTCTTCGCTTGCATCAGAGCTCGGGCGTGACCAG-3'
Protein context (NP_001299602.1, residues 100-120): KNLFPNTYLI[Val110Ala]GVCSDELTHN

ClinVar aggregate classification (germline): Uncertain significance (1 of 4 stars; one submission).

Conditions:
Lipodystrophy, congenital generalized, type 5 (CGL5). Identifiers: MedGen C5882745, MONDO:0958023, OMIM 620680.
Spondylometaphyseal dysplasia-cone-rod dystrophy syndrome. Identifiers: Orphanet 85167, MedGen C1837073, MONDO:0012160, OMIM 608940.

Submission:

Juno Genomics, Hangzhou Juno Genomics, Inc
Classification: Uncertain significance for Spondylometaphyseal dysplasia-cone-rod dystrophy syndrome; Lipodystrophy, congenital generalized, type 5. Review status: criteria provided, single submitter. Criteria: ACMG Guidelines, 2015. Collection method: clinical testing. Allele origin: germline.
Comment: Absent from controls (or at extremely low frequency if recessive) in Genome Aggregation Database.;Multiple lines of computational evidence support a deleterious effect on the gene or gene product.